The following is an entry in ClinVar:

NM_020632.3(ATP6V0A4):c.196C>T (p.Arg66Cys)

Gene: ATP6V0A4 (ATPase H+ transporting V0 subunit a4; minus strand). Cytogenetic location: 7q34.
Variant type: single nucleotide variant.
Coding change: c.196C>T on transcript NM_020632.3 (MANE Select); coding-DNA position 196, C replaced by T.
Protein change: p.Arg66Cys; replaces arginine 66 with cysteine.
Molecular consequence: missense variant.
Genome position (GRCh38, 1-based): chr7:138,769,173, G>A on the plus strand (C>T on the coding strand, the complement: ATP6V0A4 is on the minus strand). VCF-style: chr7-138769173-G-A. GRCh37 (hg19) VCF-style: chr7-138453918-G-A.
Other names: c.196C>T, p.Arg66Cys (NM_130840.3, NM_130841.3); c.196C>T (NM_020632.2); short protein forms R66C.
Identifiers: ClinVar variation 2987115 (VCV002987115.5), dbSNP rs146911574, ClinGen allele CA4505220.

ClinVar aggregate classification (germline): Uncertain significance. Review status: criteria provided, multiple submitters, no conflicts (2 of 4 stars). 3 submissions from 3 submitters: Uncertain significance (3). Last evaluated 2025-04-07.

Conditions:
Renal tubular acidosis, distal, 3, with or without sensorineural hearing loss (DRTA3). Identifiers: MedGen C5399980, MONDO:0011268, OMIM 602722.

Allele frequency attached by ClinVar (database versions not stated): ExAC 0.00001; TOPMed 0.00003; gnomAD 0.00004; ESP Exome Variant Server 0.00008.
gnomAD v4.1: 82 of 1,607,500 alleles (0.0051%); highest among the groups gnomAD compares: Non-Finnish European, 0.0063%; no homozygotes.

Submissions (3):

GeneDx
Classification: Uncertain significance. Last evaluated: 2025-04-07. Review status: criteria provided, single submitter. Criteria: GeneDx Variant Classification Process June 2021. Collection method: clinical testing. Allele origin: germline. Affected: yes.
Comment: Not observed at significant frequency in large population cohorts (gnomAD); In silico analysis supports that this missense variant has a deleterious effect on protein structure/function; Has not been previously published as pathogenic or benign to our knowledge

Labcorp Genetics (formerly Invitae), Labcorp
Classification: Uncertain significance. Last evaluated: 2024-10-24. Review status: criteria provided, single submitter. Criteria: Invitae Variant Classification Sherloc (09022015). Collection method: clinical testing. Allele origin: germline.
Comment: This sequence change replaces arginine, which is basic and polar, with cysteine, which is neutral and slightly polar, at codon 66 of the ATP6V0A4 protein (p.Arg66Cys). This variant is present in population databases (rs146911574, gnomAD 0.006%). This variant has not been reported in the literature in individuals affected with ATP6V0A4-related conditions. An algorithm developed to predict the effect of missense changes on protein structure and function (PolyPhen-2) suggests that this variant is likely to be tolerated. In summary, the available evidence is currently insufficient to determine the role of this variant in disease. Therefore, it has been classified as a Variant of Uncertain Significance.

Fulgent Genetics
Classification: Uncertain significance for Renal tubular acidosis, distal, 3, with or without sensorineural hearing loss. Last evaluated: 2024-05-22. Review status: criteria provided, single submitter. Criteria: ACMG Guidelines, 2015. Collection method: clinical testing. Allele origin: germline.